The following is an entry in ClinVar:

NM_020821.3(VPS13C):c.6522G>C (p.Leu2174Phe)

Gene: VPS13C (vacuolar protein sorting 13 homolog C; minus strand). Cytogenetic location: 15q22.2.
Variant type: single nucleotide variant.
Coding change: c.6522G>C on transcript NM_020821.3 (MANE Select); coding-DNA position 6522, G replaced by C.
Protein change: p.Leu2174Phe; replaces leucine 2174 with phenylalanine.
Molecular consequence: missense variant.
Genome position (GRCh38, 1-based): chr15:61,925,543, C>G on the plus strand (G>C on the coding strand, the complement: VPS13C is on the minus strand). VCF-style: chr15-61925543-C-G. GRCh37 (hg19) VCF-style: chr15-62217742-C-G.
Other names: c.6522G>C, p.Leu2174Phe (NM_001018088.3); c.6393G>C, p.Leu2131Phe (NM_017684.5, NM_018080.4); short protein forms L2131F, L2174F.
Identifiers: ClinVar variation 1953422 (VCV001953422.5), dbSNP rs754132978, ClinGen allele CA392686455.

ClinVar aggregate classification (germline): Uncertain significance (1 of 4 stars; one submission).

Allele frequency attached by ClinVar (database versions not stated): TOPMed below 0.00001; gnomAD 0.00001.
gnomAD v4.1: 6 of 1,596,468 alleles (0.00038%); highest among the groups gnomAD compares: Admixed American, 0.0017%; no homozygotes.

Submission:

Labcorp Genetics (formerly Invitae), Labcorp
Classification: Uncertain significance. Last evaluated: 2022-08-22. Review status: criteria provided, single submitter. Criteria: Invitae Variant Classification Sherloc (09022015). Collection method: clinical testing. Allele origin: germline.
Comment: In summary, the available evidence is currently insufficient to determine the role of this variant in disease. Therefore, it has been classified as a Variant of Uncertain Significance. Algorithms developed to predict the effect of missense changes on protein structure and function are either unavailable or do not agree on the potential impact of this missense change (SIFT: "Tolerated"; PolyPhen-2: "Probably Damaging"; Align-GVGD: "Class C0"). This variant has not been reported in the literature in individuals affected with VPS13C-related conditions. This variant is not present in population databases (gnomAD no frequency). This sequence change replaces leucine, which is neutral and non-polar, with phenylalanine, which is neutral and non-polar, at codon 2174 of the VPS13C protein (p.Leu2174Phe).